The following is an entry in ClinVar:

NM_012073.5(CCT5):c.*866A>C

Gene: CCT5 (chaperonin containing TCP1 subunit 5; plus strand). Cytogenetic location: 5p15.2.
Variant type: single nucleotide variant.
Coding change: c.*866A>C on transcript NM_012073.5 (MANE Select); 866 bases downstream of the stop codon, A replaced by C.
Molecular consequence: 3 prime UTR variant.
Genome position (GRCh38, 1-based): chr5:10,265,649, A>C. VCF-style: chr5-10265649-A-C. GRCh37 (hg19) VCF-style: chr5-10265761-A-C.
Other names: c.*866A>C (NM_001306153.1, NM_001306154.2, NM_001306155.2 and 1 more transcripts).
Identifiers: ClinVar variation 350280 (VCV000350280.6), dbSNP rs114441137, ClinGen allele CA10619778.

ClinVar aggregate classification (germline): Benign. Review status: criteria provided, multiple submitters, no conflicts (2 of 4 stars). 2 submissions from 2 submitters: Benign (2). Last evaluated 2018-01-13.

Conditions:
Hereditary sensory and autonomic neuropathy with spastic paraplegia (HSNSP). Identifiers: Orphanet 139578, MedGen C1850395, MONDO:0009748, OMIM 256840.

Allele frequency attached by ClinVar (database versions not stated): gnomAD 0.00964 and 0.01043; TOPMed 0.00999; 1000 Genomes Project 0.01158; 1000 Genomes Project 30x 0.01296.

Submissions (2):

Illumina Laboratory Services, Illumina
Classification: Benign for Hereditary sensory and autonomic neuropathy with spastic paraplegia. Last evaluated: 2018-01-13. Review status: criteria provided, single submitter. Criteria: ICSL Variant Classification Criteria 13 December 2019. Collection method: clinical testing. Allele origin: germline.
Comment: This variant was observed in the ICSL laboratory as part of a predisposition screen in an ostensibly healthy population. It had not been previously curated by ICSL or reported in the Human Gene Mutation Database (HGMD: prior to June 1st, 2018), and was therefore a candidate for classification through an automated scoring system. Utilizing variant allele frequency, disease prevalence and penetrance estimates, and inheritance mode, an automated score was calculated to assess if this variant is too frequent to cause the disease. Based on the score and internal cut-off values, a variant classified as benign is not then subjected to further curation. The score for this variant resulted in a classification of benign for this disease.

Breakthrough Genomics
Classification: Benign. Review status: criteria provided, single submitter. Criteria: ACMG Guidelines, 2015. Collection method: not provided. Allele origin: germline. Inheritance: Autosomal recessive inheritance. Affected: yes.